The following is an entry in ClinVar:

NM_001354604.2(MITF):c.1507G>A (p.Val503Met)

Gene: MITF (melanocyte inducing transcription factor; plus strand). Cytogenetic location: 3p13.
Variant type: single nucleotide variant.
Coding change: c.1507G>A on transcript NM_001354604.2 (MANE Select); coding-DNA position 1507, G replaced by A.
Protein change: p.Val503Met; replaces valine 503 with methionine.
Molecular consequence: missense variant.
Genome position (GRCh38, 1-based): chr3:69,965,174, G>A. VCF-style: chr3-69965174-G-A. GRCh37 (hg19) VCF-style: chr3-70014325-G-A.
Other names: c.1486G>A, p.Val496Met (NM_006722.3, NM_001354606.2); c.1168G>A, p.Val390Met (NM_198158.3); c.1489G>A, p.Val497Met (NM_198159.3); c.1441G>A, p.Val481Met (NM_198177.3); c.1000G>A, p.Val334Met (NM_198178.3); c.1186G>A, p.Val396Met (NM_000248.4); c.1333G>A, p.Val445Met (NM_001184967.2, NM_001354608.2); c.1504G>A, p.Val502Met (NM_001354605.2); and 1 more; short protein forms V334M, V390M, V396M, V445M, V480M, V481M, V496M, V497M.
Identifiers: ClinVar variation 1196677 (VCV001196677.10), dbSNP rs199578956, ClinGen allele CA77003529.

ClinVar aggregate classification (germline): Uncertain significance. Review status: criteria provided, multiple submitters, no conflicts (2 of 4 stars). 4 submissions from 4 submitters: Uncertain significance (4). Last evaluated 2025-03-12.

Conditions:
MITF-related disorder. Also called: MITF-related condition.
Hereditary cancer-predisposing syndrome. Also called: Hereditary neoplastic syndrome; Hereditary Cancer Syndrome; Tumor predisposition; Neoplastic Syndromes, Hereditary. Identifiers: Orphanet 140162, MedGen C0027672, MeSH D009386, MONDO:0015356.
Melanoma, cutaneous malignant, susceptibility to, 8. Also called: MELANOMA AND RENAL CELL CARCINOMA, SUSCEPTIBILITY TO; Cutaneous malignant melanoma 8. Identifiers: Orphanet 293822, MedGen C3152204, MONDO:0013759, OMIM 614456.
Waardenburg syndrome type 2A (WS2A). Also called: WAARDENBURG SYNDROME WITHOUT DYSTOPIA CANTHORUM. Identifiers: Orphanet 3440, MedGen C1860339, MONDO:0008671, OMIM 193510.
Tietz syndrome (TADS). Also called: HYPOPIGMENTATION/DEAFNESS OF TIETZ; ALBINISM-DEAFNESS OF TIETZ; TIETZ ALBINISM-DEAFNESS SYNDROME. Identifiers: Orphanet 42665, MedGen C0391816, MONDO:0007077, OMIM 103500.

Allele frequency attached by ClinVar (database versions not stated): gnomAD 0.00001; gnomAD exomes 0.00001 and 0.00002.
gnomAD v4.1: 10 of 1,613,818 alleles (0.00062%); highest among the groups gnomAD compares: Admixed American, 0.012%; no homozygotes.

Submissions (4):

Labcorp Genetics (formerly Invitae), Labcorp
Classification: Uncertain significance for Melanoma, cutaneous malignant, susceptibility to, 8; Waardenburg syndrome type 2A; Tietz syndrome. Last evaluated: 2025-03-12. Review status: criteria provided, single submitter. Criteria: Invitae Variant Classification Sherloc (09022015). Collection method: clinical testing. Allele origin: germline.
Comment: This sequence change replaces valine, which is neutral and non-polar, with methionine, which is neutral and non-polar, at codon 396 of the MITF protein (p.Val396Met). This variant is present in population databases (rs199578956, gnomAD 0.01%). This variant has not been reported in the literature in individuals affected with MITF-related conditions. ClinVar contains an entry for this variant (Variation ID: 1196677). Invitae Evidence Modeling of protein sequence and biophysical properties (such as structural, functional, and spatial information, amino acid conservation, physicochemical variation, residue mobility, and thermodynamic stability) indicates that this missense variant is not expected to disrupt MITF protein function with a negative predictive value of 80%. In summary, the available evidence is currently insufficient to determine the role of this variant in disease. Therefore, it has been classified as a Variant of Uncertain Significance.

PreventionGenetics, part of Exact Sciences
Classification: Uncertain significance for MITF-related condition. Last evaluated: 2025-02-07. Review status: criteria provided, single submitter. Criteria: ACMG Guidelines, 2015. Collection method: clinical testing. Allele origin: germline.
Comment: The MITF c.1186G>A variant is predicted to result in the amino acid substitution p.Val396Met. To our knowledge, this variant has not been reported in the literature. This variant is reported in 0.014% of alleles in individuals of Latino descent in gnomAD. At this time, the clinical significance of this variant is uncertain due to the absence of conclusive functional and genetic evidence.

Ambry Genetics
Classification: Uncertain significance for Hereditary cancer-predisposing syndrome. Last evaluated: 2024-12-22. Review status: criteria provided, single submitter. Criteria: Ambry Variant Classification Scheme 2023. Collection method: clinical testing. Allele origin: germline.
Comment: The p.V396M variant (also known as c.1186G>A), located in coding exon 9 of the MITF gene, results from a G to A substitution at nucleotide position 1186. The valine at codon 396 is replaced by methionine, an amino acid with highly similar properties. This amino acid position is conserved. In addition, this alteration is predicted to be tolerated by in silico analysis. Based on the available evidence, the clinical significance of this variant remains unclear.

GeneDx
Classification: Uncertain significance. Last evaluated: 2023-01-31. Review status: criteria provided, single submitter. Criteria: GeneDx Variant Classification Process June 2021. Collection method: clinical testing. Allele origin: germline. Affected: yes.
Comment: In silico analysis, which includes protein predictors and evolutionary conservation, supports that this variant does not alter protein structure/function; Has not been previously published as pathogenic or benign to our knowledge